The following is an entry in ClinVar:

NM_031924.8(RSPH3):c.1078T>C (p.Phe360Leu)

Gene: RSPH3 (radial spoke head 3; minus strand). Cytogenetic location: 6q25.3.
Variant type: single nucleotide variant.
Coding change: c.1078T>C on transcript NM_031924.8 (MANE Select); coding-DNA position 1078, T replaced by C.
Protein change: p.Phe360Leu; replaces phenylalanine 360 with leucine.
Molecular consequence: missense variant. On other transcripts: non-coding transcript variant (1).
Genome position (GRCh38, 1-based): chr6:158,977,717, A>G on the plus strand (T>C on the coding strand, the complement: RSPH3 is on the minus strand). VCF-style: chr6-158977717-A-G. GRCh37 (hg19) VCF-style: chr6-159398749-A-G.
Other names: c.1216T>C, p.Phe406Leu (NM_001346418.1); short protein forms F360L, F406L.
Identifiers: ClinVar variation 1439471 (VCV001439471.6), dbSNP rs2128605197, ClinGen allele CA366278888.

ClinVar aggregate classification (germline): Uncertain significance (1 of 4 stars; one submission).

Conditions:
Primary ciliary dyskinesia 32. Also called: CILIARY DYSKINESIA, PRIMARY, 32, WITHOUT SITUS INVERSUS. Identifiers: Orphanet 244, MedGen C4225311, MONDO:0014657, OMIM 616481.

Submission:

Labcorp Genetics (formerly Invitae), Labcorp
Classification: Uncertain significance for Primary ciliary dyskinesia 32. Last evaluated: 2021-10-22. Review status: criteria provided, single submitter. Criteria: Invitae Variant Classification Sherloc (09022015). Collection method: clinical testing. Allele origin: germline.
Comment: In summary, the available evidence is currently insufficient to determine the role of this variant in disease. Therefore, it has been classified as a Variant of Uncertain Significance. Algorithms developed to predict the effect of missense changes on protein structure and function output the following: SIFT: "Tolerated"; PolyPhen-2: "Benign"; Align-GVGD: "Class C0". The leucine amino acid residue is found in multiple mammalian species, which suggests that this missense change does not adversely affect protein function. This variant has not been reported in the literature in individuals affected with RSPH3-related conditions. This variant is not present in population databases (ExAC no frequency). This sequence change replaces phenylalanine with leucine at codon 502 of the RSPH3 protein (p.Phe502Leu). The phenylalanine residue is moderately conserved and there is a small physicochemical difference between phenylalanine and leucine.